The following is an entry in ClinVar:

ClinVar aggregate classification (germline): Uncertain significance (1 of 4 stars; one submission).

Allele frequency attached by ClinVar (database versions not stated): ESP Exome Variant Server 0.00008.
gnomAD v4.1: 23 of 1,614,070 alleles (0.0014%); highest among the groups gnomAD compares: African/African-American, 0.004%; no homozygotes.

Submission:

CeGaT Center for Human Genetics Tuebingen
Classification: Uncertain significance. Last evaluated: 2023-08-01. Review status: criteria provided, single submitter. Criteria: CeGaT Center For Human Genetics Tuebingen Variant Classification Criteria Version 2. Collection method: clinical testing. Allele origin: germline. Affected: yes. Observed: 1 variant allele.
Comment: TRAK1: PM2, BP4

NM_001042646.3(TRAK1):c.1372G>A (p.Val458Ile)

Gene: TRAK1 (trafficking kinesin protein 1; plus strand). Cytogenetic location: 3p22.1.
Variant type: single nucleotide variant.
Coding change: c.1372G>A on transcript NM_001042646.3 (MANE Select); coding-DNA position 1372, G replaced by A.
Protein change: p.Val458Ile; replaces valine 458 with isoleucine.
Molecular consequence: missense variant. On other transcripts: non-coding transcript variant (1).
Genome position (GRCh38, 1-based): chr3:42,200,999, G>A. VCF-style: chr3-42200999-G-A. GRCh37 (hg19) VCF-style: chr3-42242491-G-A.
Other names: c.1372G>A, p.Val458Ile (NM_001265608.2, NM_001349246.2, NM_001349247.2); c.1150G>A, p.Val384Ile (NM_001265609.2, NM_001265610.1, NM_001349248.1 and 1 more transcripts); c.1060G>A, p.Val354Ile (NM_001349245.1); c.1198G>A, p.Val400Ile (NM_001410741.1, NM_014965.5); short protein forms V354I, V384I, V400I, V458I.
Identifiers: ClinVar variation 2578939 (VCV002578939.25), dbSNP rs368474947, ClinGen allele CA2333465.
Genomic context (GRCh38, chr3:42,200,999, plus strand): 5'-CTGTCCAGCTGCGTCAGCACCCCCCGGTCCAGCTTCTACGGCAGCGACATAGGCAACGTC[G>A]TCCTCGACAACAAGACCAACAGCATCATTCTGGAAACAGAGGCAGCCGACCTGGGGTGAG-3'
Protein context (NP_001036111.1, residues 448-468): SFYGSDIGNV[Val458Ile]LDNKTNSIIL